The following is an entry in ClinVar:

NM_004646.4(NPHS1):c.12del (p.Thr5fs)

Genes: KIRREL2 (kirre like nephrin family adhesion molecule 2; plus strand), NPHS1 (NPHS1 adhesion molecule, nephrin; minus strand). Cytogenetic location: 19q13.12.
Variant type: Deletion.
Coding change: c.12del on transcript NM_004646.4 (MANE Select); coding-DNA position 12, one base deleted (G; older notation c.12delG).
Protein change: p.Thr5fs; shifts the reading frame from threonine 5.
Molecular consequence: frameshift variant.
Genome position (GRCh38, 1-based): chr19:35,851,826, C deleted on the plus strand (G on the coding strand, the reverse complement: NPHS1 is on the minus strand); the first of 4 consecutive C bases (chr19:35,851,826-35,851,829); deleting any one gives the same sequence. VCF-style (leftmost placement, unchanged base first): chr19-35851825-TC-T. GRCh37 (hg19) VCF-style: chr19-36342727-TC-T.
Other names: short protein forms T5fs.
Identifiers: ClinVar variation 2734615 (VCV002734615.3), dbSNP rs2513787438, ClinGen allele CA2576759101.

ClinVar aggregate classification (germline): Pathogenic (1 of 4 stars; one submission).

Submission:

Labcorp Genetics (formerly Invitae), Labcorp
Classification: Pathogenic. Last evaluated: 2023-05-27. Review status: criteria provided, single submitter. Criteria: Invitae Variant Classification Sherloc (09022015). Collection method: clinical testing. Allele origin: germline.
Comment: This variant has not been reported in the literature in individuals affected with NPHS1-related conditions. For these reasons, this variant has been classified as Pathogenic. This sequence change creates a premature translational stop signal (p.Thr5Argfs*13) in the NPHS1 gene. It is expected to result in an absent or disrupted protein product. Loss-of-function variants in NPHS1 are known to be pathogenic (PMID: 11317351, 11854170, 12039988). This variant is not present in population databases (gnomAD no frequency).

Literature cited by the submitters: PubMed 11317351; PubMed 11854170; PubMed 12039988.